The following is an entry in ClinVar:

NM_000399.5(EGR2):c.1234G>A (p.Glu412Lys)

Gene: EGR2 (early growth response 2; minus strand). Cytogenetic location: 10q21.3.
Variant type: single nucleotide variant.
Coding change: c.1234G>A on transcript NM_000399.5 (MANE Select); coding-DNA position 1234, G replaced by A.
Protein change: p.Glu412Lys; replaces glutamic acid 412 with lysine.
Molecular consequence: missense variant.
Genome position (GRCh38, 1-based): chr10:62,813,404, C>T on the plus strand (G>A on the coding strand, the complement: EGR2 is on the minus strand). VCF-style: chr10-62813404-C-T. GRCh37 (hg19) VCF-style: chr10-64573164-C-T.
Other names: c.1234G>A, p.Glu412Lys (NM_001136177.3, NM_001136178.2); c.1084G>A, p.Glu362Lys (NM_001136179.3, NM_001321037.2); short protein forms E412K, E362K.
Identifiers: ClinVar variation 16753 (VCV000016753.11), dbSNP rs121434563, ClinGen allele CA126847.

ClinVar aggregate classification (germline): Pathogenic. Review status: criteria provided, single submitter (1 of 4 stars). 3 submissions from 3 submitters: Pathogenic (1). 2 of the submissions do not count toward it. Last evaluated 2020-12-19.

Conditions:
Charcot-Marie-Tooth disease, type I (CMT1). Also called: Charcot-Marie-Tooth disease type 1; Charcot-Marie-Tooth, Type 1. Identifiers: Orphanet 65753, MedGen C0751036, MONDO:0019011.
Dejerine-sottas neuropathy, autosomal dominant. Identifiers: MedGen C4016028.
Dejerine-Sottas disease. Also called: Charcot-Marie-Tooth disease type 3; DEJERINE-SOTTAS NEUROPATHY; HEREDITARY MOTOR AND SENSORY NEUROPATHY TYPE III; Hereditary motor and sensory neuropathy 3; HMSN Type III. Identifiers: Orphanet 64748, MedGen C0011195, MONDO:0007790, OMIM 145900.

Submissions (3):

Labcorp Genetics (formerly Invitae), Labcorp
Classification: Pathogenic for Charcot-Marie-Tooth disease, type I. Last evaluated: 2020-12-19. Review status: criteria provided, single submitter. Criteria: Invitae Variant Classification Sherloc (09022015). Collection method: clinical testing. Allele origin: germline.
Comment: For these reasons, this variant has been classified as Pathogenic. This variant disrupts the p.Glu412 amino acid residue in EGR2. Other variant(s) that disrupt this residue have been determined to be pathogenic (PMID: 22546699, 30843326). This suggests that this residue is clinically significant, and that variants that disrupt this residue are likely to be disease-causing. This variant has been reported to affect EGR2 protein function (PMID: 17717711, 27013732). This variant has been observed in individual(s) with autosomal dominant Dejerine-Sottas syndrome (PMID: 17717711). In at least one individual the variant was observed to be de novo. ClinVar contains an entry for this variant (Variation ID: 16753). This variant is not present in population databases (ExAC no frequency). This sequence change replaces glutamic acid with lysine at codon 412 of the EGR2 protein (p.Glu412Lys). The glutamic acid residue is highly conserved and there is a small physicochemical difference between glutamic acid and lysine.

Inherited Neuropathy Consortium Ii, University Of Miami
Classification: Uncertain significance for Dejerine-Sottas disease. Last evaluated: 2016-01-06. Review status: no assertion criteria provided. Collection method: literature only. Allele origin: germline. Affected: yes. Not counted in ClinVar's aggregate classification.

OMIM
Classification: Pathogenic for DEJERINE-SOTTAS NEUROPATHY, AUTOSOMAL DOMINANT. Last evaluated: 2007-11-01. Review status: no assertion criteria provided. Collection method: literature only. Allele origin: germline. Not counted in ClinVar's aggregate classification.

Literature cited by the submitters: PubMed 22546699 (cited by Labcorp Genetics (formerly Invitae), Labcorp); PubMed 30843326 (cited by Labcorp Genetics (formerly Invitae), Labcorp); PubMed 17717711 (cited by 3 submitters); PubMed 27013732 (cited by Labcorp Genetics (formerly Invitae), Labcorp).